The following is an entry in ClinVar:

NM_053025.4(MYLK):c.5426C>G (p.Pro1809Arg)

Genes: MYLK-AS1 (MYLK antisense RNA 1; plus strand), MYLK (myosin light chain kinase; minus strand). Cytogenetic location: 3q21.1.
Variant type: single nucleotide variant.
Coding change: c.5426C>G on transcript NM_053025.4 (MANE Select); coding-DNA position 5426, C replaced by G.
Protein change: p.Pro1809Arg; replaces proline 1809 with arginine.
Molecular consequence: missense variant.
Genome position (GRCh38, 1-based): chr3:123,618,713, G>C on the plus strand (C>G on the coding strand, the complement: MYLK is on the minus strand). VCF-style: chr3-123618713-G-C. GRCh37 (hg19) VCF-style: chr3-123337560-G-C.
Other names: c.4898C>G, p.Pro1633Arg (NM_001321309.2); c.5219C>G, p.Pro1740Arg (NM_053026.4); c.5273C>G, p.Pro1758Arg (NM_053027.4); c.5066C>G, p.Pro1689Arg (NM_053028.4); c.143C>G, p.Pro48Arg (NM_053031.4); c.146C>G, p.Pro49Arg (NM_053032.4); short protein forms P1809R, P1689R, P48R, P1633R, P1740R, P1758R, P49R.
Identifiers: ClinVar variation 520020 (VCV000520020.5), dbSNP rs1553770523, ClinGen allele CA354231039.

ClinVar aggregate classification (germline): Uncertain significance (1 of 4 stars; one submission).

Conditions:
Familial thoracic aortic aneurysm and aortic dissection (TAAD). Also called: Thoracic aortic aneurysms and dissections. Identifiers: Orphanet 91387, MedGen C4707243, MONDO:0019625.

Submission:

Ambry Genetics
Classification: Uncertain significance for Familial thoracic aortic aneurysm and aortic dissection. Last evaluated: 2017-12-07. Review status: criteria provided, single submitter. Criteria: Ambry Variant Classification Scheme 2023. Collection method: clinical testing. Allele origin: germline.
Comment: The p.P1809R variant (also known as c.5426C>G), located in coding exon 30 of the MYLK gene, results from a C to G substitution at nucleotide position 5426. The proline at codon 1809 is replaced by arginine, an amino acid with dissimilar properties, and is located in the Ig-like C2-type 9 domain. This amino acid position is highly conserved in available vertebrate species. In addition, this alteration is predicted to be deleterious by in silico analysis. Since supporting evidence is limited at this time, the clinical significance of this alteration remains unclear.